The following is an entry in ClinVar:

ClinVar aggregate classification (germline): Pathogenic. Review status: criteria provided, multiple submitters, no conflicts (2 of 4 stars). 5 submissions from 5 submitters: Pathogenic (5). Last evaluated 2024-07-08.

Conditions:
Hereditary breast ovarian cancer syndrome. Also called: Hereditary breast and ovarian cancer; Hereditary breast and/or ovarian cancer syndrome; Hereditary breast and ovarian cancer syndrome (HBOC); Breast and ovarian cancer; BRCA1- and BRCA2-Associated Hereditary Breast and Ovarian Cancer; Hereditary breast and ovarian cancer syndrome. Identifiers: Orphanet 145, MedGen C0677776, MeSH D061325, MONDO:0003582. Disease mechanism: loss of function.
Hereditary cancer-predisposing syndrome. Also called: Neoplastic Syndromes, Hereditary; Hereditary neoplastic syndrome; Tumor predisposition; Hereditary Cancer Syndrome. Identifiers: Orphanet 140162, MedGen C0027672, MeSH D009386, MONDO:0015356.
Breast-ovarian cancer, familial, susceptibility to, 2 (BROVCA2). Also called: BRCA2 Hereditary Breast and Ovarian Cancer. Identifiers: Orphanet 145, MedGen C2675520, MONDO:0012933, OMIM 612555. Disease mechanism: loss of function.

Submissions (5):

Color Diagnostics, LLC DBA Color Health
Classification: Pathogenic for Hereditary cancer-predisposing syndrome. Last evaluated: 2024-07-08. Review status: criteria provided, single submitter. Criteria: ACMG Guidelines, 2015. Collection method: clinical testing. Allele origin: germline.
Comment: This variant deletes 8 nucleotides in exon 18 of the BRCA2 gene, creating a frameshift and premature translation stop signal. This variant is expected to result in an absent or non-functional protein product. To our knowledge, this variant has not been reported in individuals affected with BRCA2-related disorders in the literature. This variant has not been identified in the general population by the Genome Aggregation Database (gnomAD). Loss of BRCA2 function is a known mechanism of disease. Based on the available evidence, this variant is classified as Pathogenic.

Myriad Genetics, Inc.
Classification: Pathogenic for Breast-ovarian cancer, familial, susceptibility to, 2. Last evaluated: 2024-06-17. Review status: criteria provided, single submitter. Criteria: Myriad Autosomal Dominant, Autosomal Recessive and X-Linked Classification Criteria (2023). Collection method: clinical testing. Allele origin: unknown.
Comment: This variant is considered pathogenic. This variant creates a termination codon and is predicted to result in premature protein truncation.

Ambry Genetics
Classification: Pathogenic for Hereditary cancer-predisposing syndrome. Last evaluated: 2022-06-13. Review status: criteria provided, single submitter. Criteria: Ambry Variant Classification Scheme 2023. Collection method: clinical testing. Allele origin: germline.
Comment: The c.8111_8118delCTAGCAAT pathogenic mutation, located in coding exon 17 of the BRCA2 gene, results from a deletion of 8 nucleotides at nucleotide positions 8111 to 8118, causing a translational frameshift with a predicted alternate stop codon (p.S2704*). This variant is considered to be rare based on population cohorts in the Genome Aggregation Database (gnomAD). This alteration is expected to result in loss of function by premature protein truncation or nonsense-mediated mRNA decay. As such, this alteration is interpreted as a disease-causing mutation.

Labcorp Genetics (formerly Invitae), Labcorp
Classification: Pathogenic for Hereditary breast ovarian cancer syndrome. Last evaluated: 2022-04-05. Review status: criteria provided, single submitter. Criteria: Invitae Variant Classification Sherloc (09022015). Collection method: clinical testing. Allele origin: germline.
Comment: This sequence change creates a premature translational stop signal (p.Ser2704*) in the BRCA2 gene. It is expected to result in an absent or disrupted protein product. Loss-of-function variants in BRCA2 are known to be pathogenic (PMID: 20104584). This variant is not present in population databases (gnomAD no frequency). This variant has not been reported in the literature in individuals affected with BRCA2-related conditions. ClinVar contains an entry for this variant (Variation ID: 546046). For these reasons, this variant has been classified as Pathogenic.

GeneDx
Classification: Pathogenic. Last evaluated: 2016-04-09. Review status: criteria provided, single submitter. Criteria: GeneDx Variant Classification (06012015). Collection method: clinical testing. Allele origin: germline. Affected: yes.
Comment: This variant is denoted BRCA2 c.8111_8118delCTAGCAAT at the cDNA level and p.Ser2704Ter (S2704X) at the protein level. The substitution creates a nonsense variant, which changes a Serine to a premature stop codon (TCT>TAA), and is predicted to cause loss of normal protein function through either protein truncation or nonsense-mediated mRNA decay. Although this variant has not, to our knowledge, been reported in the literature, it is considered pathogenic.

Literature cited by the submitters: PubMed 20104584 (cited by Labcorp Genetics (formerly Invitae), Labcorp).

NM_000059.4(BRCA2):c.8111_8118del (p.Thr2703_Ser2704insTer)

Gene: BRCA2 (BRCA2 DNA repair associated; plus strand). Cytogenetic location: 13q13.1.
Variant type: Deletion.
Coding change: c.8111_8118del on transcript NM_000059.4 (MANE Select); coding-DNA positions 8111 to 8118, 8 bases deleted (CTAGCAAT; older notation c.8111_8118delCTAGCAAT).
Protein change: p.Thr2703_Ser2704insTer.
Molecular consequence: nonsense.
Genome position (GRCh38, 1-based): chr13:32,363,313-32,363,320, CTAGCAAT deleted; deleting any 8 consecutive bases within chr13:32,363,312-32,363,320 gives the same sequence; the c. name uses the placement nearest the transcript's 3' end. VCF-style (leftmost placement, unchanged base first): chr13-32363311-TTCTAGCAA-T. GRCh37 (hg19) VCF-style: chr13-32937448-TTCTAGCAA-T.
Other names: c.8111_8118delCTAGCAAT (NM_000059.3).
Identifiers: ClinVar variation 546046 (VCV000546046.11), dbSNP rs1555287001, ClinGen allele CA658823762.
Genomic context (GRCh38, chr13:32,363,311, plus strand): 5'-AAAAACACTTGTTCTCTGTGTTTCTGACATAATTTCATTGAGCGCAAATATATCTGAAAC[TTCTAGCAA>T]TAAAACTAGTAGTGCAGATACCCAAAAAGTGGCCATTATTGAACTTACAGATGGGTGGTA-3'